The following is an entry in ClinVar:

ClinVar aggregate classification (germline): Uncertain significance. Review status: criteria provided, multiple submitters, no conflicts (2 of 4 stars). 2 submissions from 2 submitters: Uncertain significance (2). Last evaluated 2023-11-13.

Conditions:
Chédiak-Higashi syndrome (CHS). Also called: Chediak-Higashi Syndrome. Identifiers: Orphanet 167, MedGen C0007965, MONDO:0008963, OMIM 214500.

Allele frequency attached by ClinVar (database versions not stated): TOPMed 0.00001; ExAC 0.00002; gnomAD exomes 0.00002; gnomAD 0.00003; ESP Exome Variant Server 0.00008.
gnomAD v4.1: 37 of 1,612,964 alleles (0.0023%); highest among the groups gnomAD compares: South Asian, 0.011%; 1 homozygote.

Submissions (2):

Labcorp Genetics (formerly Invitae), Labcorp
Classification: Uncertain significance for Chédiak-Higashi syndrome. Last evaluated: 2023-11-13. Review status: criteria provided, single submitter. Criteria: Invitae Variant Classification Sherloc (09022015). Collection method: clinical testing. Allele origin: germline.
Comment: This sequence change replaces arginine, which is basic and polar, with histidine, which is basic and polar, at codon 2374 of the LYST protein (p.Arg2374His). This variant is present in population databases (rs374099882, gnomAD 0.01%). This variant has not been reported in the literature in individuals affected with LYST-related conditions. ClinVar contains an entry for this variant (Variation ID: 875769). Advanced modeling of protein sequence and biophysical properties (such as structural, functional, and spatial information, amino acid conservation, physicochemical variation, residue mobility, and thermodynamic stability) performed at Invitae indicates that this missense variant is not expected to disrupt LYST protein function with a negative predictive value of 80%. In summary, the available evidence is currently insufficient to determine the role of this variant in disease. Therefore, it has been classified as a Variant of Uncertain Significance.

Illumina Laboratory Services, Illumina
Classification: Uncertain significance for Chédiak-Higashi syndrome. Last evaluated: 2018-01-13. Review status: criteria provided, single submitter. Criteria: ICSL Variant Classification Criteria 13 December 2019. Collection method: clinical testing. Allele origin: germline.

NM_000081.4(LYST):c.7121G>A (p.Arg2374His)

Gene: LYST (lysosomal trafficking regulator; minus strand). Cytogenetic location: 1q42.3.
Variant type: single nucleotide variant.
Coding change: c.7121G>A on transcript NM_000081.4 (MANE Select); coding-DNA position 7121, G replaced by A.
Protein change: p.Arg2374His; replaces arginine 2374 with histidine.
Molecular consequence: missense variant.
Genome position (GRCh38, 1-based): chr1:235,755,586, C>T on the plus strand (G>A on the coding strand, the complement: LYST is on the minus strand). VCF-style: chr1-235755586-C-T. GRCh37 (hg19) VCF-style: chr1-235918886-C-T.
Other names: c.7121G>A, p.Arg2374His (NM_001301365.1); short protein forms R2374H.
Identifiers: ClinVar variation 875769 (VCV000875769.5), dbSNP rs374099882, ClinGen allele CA1466219.